The following is an entry in ClinVar:

ClinVar aggregate classification (germline): Uncertain significance. Review status: criteria provided, multiple submitters, no conflicts (2 of 4 stars). 2 submissions from 2 submitters: Uncertain significance (2). Last evaluated 2025-01-04.

Conditions:
Dyskeratosis congenita, autosomal recessive 5 (DKCB5). Identifiers: MedGen C3554656, MONDO:0014076, OMIM 615190.
Pulmonary fibrosis and/or bone marrow failure, Telomere-related, 3. Also called: PULMONARY FIBROSIS AND/OR BONE MARROW FAILURE SYNDROME, TELOMERE-RELATED, 3. Identifiers: Orphanet 2032, MedGen C4225346, MONDO:0014613, OMIM 616373.
Inborn genetic diseases. Identifiers: MedGen C0950123, MeSH D030342.

gnomAD v4.1: 1 of 1,613,442 alleles (0.000062%); highest among the groups gnomAD compares: Admixed American, 0.0017%; no homozygotes.

Submissions (2):

Ambry Genetics
Classification: Uncertain significance for Inborn genetic diseases. Last evaluated: 2025-01-04. Review status: criteria provided, single submitter. Criteria: Ambry Variant Classification Scheme 2023. Collection method: clinical testing. Allele origin: germline.
Comment: The p.P297S variant (also known as c.889C>T), located in coding exon 9 of the RTEL1 gene, results from a C to T substitution at nucleotide position 889. The proline at codon 297 is replaced by serine, an amino acid with similar properties. This amino acid position is conserved. In addition, this alteration is predicted to be tolerated by in silico analysis. Based on the available evidence, the clinical significance of this variant remains unclear.

Labcorp Genetics (formerly Invitae), Labcorp
Classification: Uncertain significance for Dyskeratosis congenita, autosomal recessive 5; Pulmonary fibrosis and/or bone marrow failure, Telomere-related, 3. Last evaluated: 2024-06-12. Review status: criteria provided, single submitter. Criteria: Invitae Variant Classification Sherloc (09022015). Collection method: clinical testing. Allele origin: germline.
Comment: This sequence change replaces proline, which is neutral and non-polar, with serine, which is neutral and polar, at codon 297 of the RTEL1 protein (p.Pro297Ser). This variant is not present in population databases (gnomAD no frequency). This variant has not been reported in the literature in individuals affected with RTEL1-related conditions. An algorithm developed to predict the effect of missense changes on protein structure and function (PolyPhen-2) suggests that this variant is likely to be tolerated. In summary, the available evidence is currently insufficient to determine the role of this variant in disease. Therefore, it has been classified as a Variant of Uncertain Significance.

NM_001283009.2(RTEL1):c.889C>T (p.Pro297Ser)

Genes: RTEL1 (regulator of telomere elongation helicase 1; plus strand), RTEL1-TNFRSF6B (RTEL1-TNFRSF6B readthrough (NMD candidate); plus strand). Cytogenetic location: 20q13.33.
Variant type: single nucleotide variant.
Coding change: c.889C>T on transcript NM_001283009.2 (MANE Select); coding-DNA position 889, C replaced by T.
Protein change: p.Pro297Ser; replaces proline 297 with serine.
Molecular consequence: missense variant. On other transcripts: non-coding transcript variant (1).
Genome position (GRCh38, 1-based): chr20:63,674,063, C>T. VCF-style: chr20-63674063-C-T. GRCh37 (hg19) VCF-style: chr20-62305416-C-T.
Other names: c.220C>T, p.Pro74Ser (NM_001283010.1); c.889C>T, p.Pro297Ser (NM_016434.4); c.961C>T, p.Pro321Ser (NM_032957.5); short protein forms P297S, P321S, P74S.
Identifiers: ClinVar variation 3762541 (VCV003762541.3).